The following is an entry in ClinVar:

NM_015267.4(CUX2):c.1507G>A (p.Gly503Ser)

Gene: CUX2 (cut like homeobox 2; plus strand). Cytogenetic location: 12q24.12.
Variant type: single nucleotide variant.
Coding change: c.1507G>A on transcript NM_015267.4 (MANE Select); coding-DNA position 1507, G replaced by A.
Protein change: p.Gly503Ser; replaces glycine 503 with serine.
Molecular consequence: missense variant.
Genome position (GRCh38, 1-based): chr12:111,310,289, G>A. VCF-style: chr12-111310289-G-A. GRCh37 (hg19) VCF-style: chr12-111748093-G-A.
Other names: c.1321G>A, p.Gly441Ser (NM_001370598.1); c.1507G>A (NM_015267.3); short protein forms G441S, G503S.
Identifiers: ClinVar variation 2578692 (VCV002578692.26), dbSNP rs765817841, ClinGen allele CA6788676.
Genomic context (GRCh38, chr12:111,310,289, plus strand): 5'-AGCCTGGCATCAGGGGAGAGACTGATGATGCCCCCAGCCGCCTTCAAGGGAGAGGCGGGC[G>A]GCCTGCTGGTGTTCCCCCCAGCCTTCTATGGCGCCAAGCCCCCCACAGCCCCTGCCACCC-3'
Protein context (NP_056082.2, residues 493-513): PPAAFKGEAG[Gly503Ser]LLVFPPAFYG

ClinVar aggregate classification (germline): Likely benign. Review status: criteria provided, multiple submitters, no conflicts (2 of 4 stars). 2 submissions from 2 submitters: Likely benign (2). Last evaluated 2023-12-08.

Conditions:
Inborn genetic diseases. Identifiers: MedGen C0950123, MeSH D030342.

Allele frequency attached by ClinVar (database versions not stated): gnomAD 0.00002; gnomAD exomes 0.00002; TOPMed 0.00002; ExAC 0.00010.
gnomAD v4.1: 39 of 1,490,864 alleles (0.0026%); highest among the groups gnomAD compares: Middle Eastern, 0.13%; no homozygotes.

Submissions (2):

Ambry Genetics
Classification: Likely benign for Inborn genetic diseases. Last evaluated: 2023-12-08. Review status: criteria provided, single submitter. Criteria: Ambry Variant Classification Scheme 2023. Collection method: clinical testing. Allele origin: germline.

CeGaT Center for Human Genetics Tuebingen
Classification: Likely benign. Last evaluated: 2023-08-01. Review status: criteria provided, single submitter. Criteria: CeGaT Center For Human Genetics Tuebingen Variant Classification Criteria Version 2. Collection method: clinical testing. Allele origin: germline. Affected: yes. Observed: 1 variant allele.
Comment: CUX2: BP4